The following is an entry in ClinVar:

NM_000843.4(GRM6):c.497T>C (p.Leu166Pro)

Gene: GRM6 (glutamate metabotropic receptor 6; minus strand). Cytogenetic location: 5q35.3.
Variant type: single nucleotide variant.
Coding change: c.497T>C on transcript NM_000843.4 (MANE Select); coding-DNA position 497, T replaced by C.
Protein change: p.Leu166Pro; replaces leucine 166 with proline.
Molecular consequence: missense variant.
Genome position (GRCh38, 1-based): chr5:178,994,448, A>G on the plus strand (T>C on the coding strand, the complement: GRM6 is on the minus strand). VCF-style: chr5-178994448-A-G. GRCh37 (hg19) VCF-style: chr5-178421449-A-G.
Other names: short protein forms L166P.
Identifiers: ClinVar variation 1374488 (VCV001374488.6), dbSNP rs2113347425, ClinGen allele CA362435532.

ClinVar aggregate classification (germline): Uncertain significance (1 of 4 stars; one submission).

Submission:

Labcorp Genetics (formerly Invitae), Labcorp
Classification: Uncertain significance. Last evaluated: 2021-08-12. Review status: criteria provided, single submitter. Criteria: Invitae Variant Classification Sherloc (09022015). Collection method: clinical testing. Allele origin: germline.
Comment: This sequence change replaces leucine with proline at codon 166 of the GRM6 protein (p.Leu166Pro). The leucine residue is highly conserved and there is a moderate physicochemical difference between leucine and proline. The frequency data for this variant in the population databases is considered unreliable, as metrics indicate insufficient coverage at this position in the ExAC database. This variant has not been reported in the literature in individuals affected with GRM6-related conditions. Advanced modeling of protein sequence and biophysical properties (such as structural, functional, and spatial information, amino acid conservation, physicochemical variation, residue mobility, and thermodynamic stability) performed at Invitae indicates that this missense variant is expected to disrupt GRM6 protein function. In summary, the available evidence is currently insufficient to determine the role of this variant in disease. Therefore, it has been classified as a Variant of Uncertain Significance.